The following is an entry in ClinVar:

NM_005235.3(ERBB4):c.3128C>T (p.Ser1043Leu)

Gene: ERBB4 (erb-b2 receptor tyrosine kinase 4; minus strand). Cytogenetic location: 2q34.
Variant type: single nucleotide variant.
Coding change: c.3128C>T on transcript NM_005235.3 (MANE Select); coding-DNA position 3128, C replaced by T.
Protein change: p.Ser1043Leu; replaces serine 1043 with leucine.
Molecular consequence: missense variant.
Genome position (GRCh38, 1-based): chr2:211,420,448, G>A on the plus strand (C>T on the coding strand, the complement: ERBB4 is on the minus strand). VCF-style: chr2-211420448-G-A. GRCh37 (hg19) VCF-style: chr2-212285173-G-A.
Other names: c.3128C>T, p.Ser1043Leu (NM_001042599.2); short protein forms S1043L.
Identifiers: ClinVar variation 3616148 (VCV003616148.2).
Genomic context (GRCh38, chr2:211,420,448, plus strand): 5'-CATGATTTTATATCTCAGAAAGAATATGATATGTGTATATAATTATTTCTTACCCTATTC[G>A]AGTCAATTCTTGCTCTGGAAGTATAGATGGGAGGTGGGATGTTGAAAGCCTGAGGGACCA-3'
Protein context (NP_005226.1, residues 1033-1053): PIYTSRARID[Ser1043Leu]NRSEIGHSPP

ClinVar aggregate classification (germline): Uncertain significance (1 of 4 stars; one submission).

gnomAD v4.1: 10 of 1,607,706 alleles (0.00062%); highest among the groups gnomAD compares: Non-Finnish European, 0.00077%; no homozygotes.

Submission:

Labcorp Genetics (formerly Invitae), Labcorp
Classification: Uncertain significance. Last evaluated: 2024-11-25. Review status: criteria provided, single submitter. Criteria: Invitae Variant Classification Sherloc (09022015). Collection method: clinical testing. Allele origin: germline.
Comment: This sequence change replaces serine, which is neutral and polar, with leucine, which is neutral and non-polar, at codon 1043 of the ERBB4 protein (p.Ser1043Leu). This variant is present in population databases (rs754420079, gnomAD 0.006%). This variant has not been reported in the literature in individuals affected with ERBB4-related conditions. An algorithm developed to predict the effect of missense changes on protein structure and function (PolyPhen-2) suggests that this variant is likely to be tolerated. In summary, the available evidence is currently insufficient to determine the role of this variant in disease. Therefore, it has been classified as a Variant of Uncertain Significance.